The following is an entry in ClinVar:

NM_005045.4(RELN):c.6925G>A (p.Asp2309Asn)

Gene: RELN (reelin; minus strand). Cytogenetic location: 7q22.1.
Variant type: single nucleotide variant.
Coding change: c.6925G>A on transcript NM_005045.4 (MANE Select); coding-DNA position 6925, G replaced by A.
Protein change: p.Asp2309Asn; replaces aspartic acid 2309 with asparagine.
Molecular consequence: missense variant.
Genome position (GRCh38, 1-based): chr7:103,540,202, C>T on the plus strand (G>A on the coding strand, the complement: RELN is on the minus strand). VCF-style: chr7-103540202-C-T. GRCh37 (hg19) VCF-style: chr7-103180649-C-T.
Other names: c.6925G>A, p.Asp2309Asn (NM_173054.3); short protein forms D2309N.
Identifiers: ClinVar variation 167579 (VCV000167579.52), dbSNP rs138978280, ClinGen allele CA234778.

ClinVar aggregate classification (germline): Uncertain significance. Review status: criteria provided, multiple submitters, no conflicts (2 of 4 stars). 6 submissions from 6 submitters: Uncertain significance (6). Last evaluated 2026-03-13.

Conditions:
Familial temporal lobe epilepsy 7. Identifiers: Orphanet 101046, MedGen C4225327, MONDO:0014639, OMIM 616436.
Norman-Roberts syndrome (LIS2). Also called: Lissencephaly 2 (Norman-Roberts type). Identifiers: Orphanet 89844, MedGen C0796089, MONDO:0009760, OMIM 257320.
Epilepsy, familial temporal lobe, 1. Identifiers: Orphanet 101046, MedGen CN030884, MONDO:0700090, OMIM 600512.

Allele frequency attached by ClinVar (database versions not stated): gnomAD 0.00011; gnomAD exomes 0.00006; ExAC 0.00004; TOPMed 0.00011; ESP Exome Variant Server 0.00023.
gnomAD v4.1: 320 of 1,614,026 alleles (0.02%); highest among the groups gnomAD compares: Non-Finnish European, 0.024%; no homozygotes.

Submissions (6):

Women's Health and Genetics/Laboratory Corporation of America, LabCorp
Classification: Uncertain significance. Last evaluated: 2026-03-13. Review status: criteria provided, single submitter. Criteria: LabCorp Variant Classification Summary - May 2015. Collection method: clinical testing. Allele origin: germline.
Comment: Variant summary: RELN c.6925G>A (p.Asp2309Asn) results in a conservative amino acid change in the encoded protein sequence. Algorithms developed to predict the effect of missense changes on protein structure and function are either unavailable or do not agree on the potential impact of this missense change. The variant allele was found at a frequency of 6.4e-05 in 251386 control chromosomes, predominantly at a frequency of 0.00013 within the Non-Finnish European subpopulation in the gnomAD database. This frequency is not significantly higher than estimated for disease-causing variants in RELN, allowing no conclusion about variant significance. c.6925G>A has been observed in individual(s) affected with Autism and Neurodevelopmental disease (Guo_2018, Wang_2020). These report(s) do not provide unequivocal conclusions about association of the variant with Epilepsy Familial Temporal Lobe 7. To our knowledge, no experimental evidence demonstrating an impact on protein function has been reported. The following publications have been ascertained in the context of this evaluation (PMID: 30564305, 33004838). ClinVar contains an entry for this variant (Variation ID: 167579). Based on the evidence outlined above, the variant was classified as uncertain significance.

Labcorp Genetics (formerly Invitae), Labcorp
Classification: Uncertain significance for Familial temporal lobe epilepsy 7; Norman-Roberts syndrome. Last evaluated: 2025-11-03. Review status: criteria provided, single submitter. Criteria: Invitae Variant Classification Sherloc (09022015). Collection method: clinical testing. Allele origin: germline.
Comment: This sequence change replaces aspartic acid, which is acidic and polar, with asparagine, which is neutral and polar, at codon 2309 of the RELN protein (p.Asp2309Asn). This variant is present in population databases (rs138978280, gnomAD 0.02%). This variant has not been reported in the literature in individuals affected with RELN-related conditions. ClinVar contains an entry for this variant (Variation ID: 167579). Invitae Evidence Modeling of protein sequence and biophysical properties (such as structural, functional, and spatial information, amino acid conservation, physicochemical variation, residue mobility, and thermodynamic stability) indicates that this missense variant is not expected to disrupt RELN protein function with a negative predictive value of 80%. In summary, the available evidence is currently insufficient to determine the role of this variant in disease. Therefore, it has been classified as a Variant of Uncertain Significance.

Blueprint Genetics
Classification: Uncertain significance. Last evaluated: 2024-06-03. Review status: criteria provided, single submitter. Criteria: ACMG Guidelines, 2015. Collection method: clinical testing. Allele origin: germline.

CeGaT Center for Human Genetics Tuebingen
Classification: Uncertain significance. Last evaluated: 2020-02-01. Review status: criteria provided, single submitter. Criteria: CeGaT Center For Human Genetics Tuebingen Variant Classification Criteria Version 2. Collection method: clinical testing. Allele origin: germline. Affected: yes. Observed: 1 variant allele.

Fulgent Genetics
Classification: Uncertain significance for Norman-Roberts syndrome; Epilepsy, familial temporal lobe, 1; Familial temporal lobe epilepsy 7. Last evaluated: 2018-10-31. Review status: criteria provided, single submitter. Criteria: ACMG Guidelines, 2015. Collection method: clinical testing. Allele origin: unknown.

Eurofins Ntd Llc (ga)
Classification: Uncertain significance. Last evaluated: 2014-05-05. Review status: criteria provided, single submitter. Criteria: EGL Classification Definitions 2015. Collection method: clinical testing. Allele origin: germline. Observed: 1 variant allele, 1 heterozygote.

Literature cited by the submitters: PubMed 30564305 (cited by Women's Health and Genetics/Laboratory Corporation of America, LabCorp); PubMed 33004838 (cited by Women's Health and Genetics/Laboratory Corporation of America, LabCorp).